The following is an entry in ClinVar:

NM_000492.4(CFTR):c.2627C>T (p.Ala876Val)

Gene: CFTR (CF transmembrane conductance regulator; plus strand). Cytogenetic location: 7q31.2.
Variant type: single nucleotide variant.
Coding change: c.2627C>T on transcript NM_000492.4 (MANE Select); coding-DNA position 2627, C replaced by T.
Protein change: p.Ala876Val; replaces alanine 876 with valine.
Molecular consequence: missense variant.
Genome position (GRCh38, 1-based): chr7:117,602,833, C>T. VCF-style: chr7-117602833-C-T. GRCh37 (hg19) VCF-style: chr7-117242887-C-T.
Other names: short protein forms A876V.
Identifiers: ClinVar variation 568739 (VCV000568739.11), dbSNP rs1472821278, ClinGen allele CA368985923.

ClinVar aggregate classification (germline): Uncertain significance. Review status: criteria provided, multiple submitters, no conflicts (2 of 4 stars). 5 submissions from 5 submitters: Uncertain significance (4). 1 of the submissions does not count toward it. Last evaluated 2025-04-23.

Conditions:
Cystic fibrosis (CF). Also called: MUCOVISCIDOSIS. Identifiers: Orphanet 586, MedGen C0010674, MONDO:0009061, OMIM 219700. Disease mechanism: loss of function.
CFTR-related disorder (CFTR-RD). Also called: CFTR-related disorders; CFTR-related condition. Identifiers: MedGen C5924204, MONDO:7770004.
Bronchiectasis with or without elevated sweat chloride 1 (BESC1). Also called: Cystic Fibrosis-Like Syndrome. Identifiers: Orphanet 60033, MedGen C2749757, MONDO:0008887, OMIM 211400.
Hereditary pancreatitis (PCTT). Also called: Hereditary chronic pancreatitis; PRSS1-Related Hereditary Pancreatitis. Identifiers: Orphanet 676, MedGen C0238339, MONDO:0008185, OMIM 167800.
Congenital bilateral aplasia of vas deferens from CFTR mutation (CBAVD). Identifiers: Orphanet 48, MedGen C0403814, MONDO:0010178, OMIM 277180. Disease mechanism: loss of function.

Allele frequency attached by ClinVar (database versions not stated): gnomAD exomes below 0.00001 and 0.00001; TOPMed 0.00001.
gnomAD v4.1: 3 of 1,613,992 alleles (0.00019%); highest among the groups gnomAD compares: Admixed American, 0.0033%; no homozygotes.

Submissions (5):

Ambry Genetics
Classification: Uncertain significance for Cystic fibrosis. Last evaluated: 2025-04-23. Review status: criteria provided, single submitter. Criteria: Ambry Variant Classification Scheme 2023. Collection method: clinical testing. Allele origin: germline.
Comment: The p.A876V variant (also known as c.2627C>T), located in coding exon 16 of the CFTR gene, results from a C to T substitution at nucleotide position 2627. The alanine at codon 876 is replaced by valine, an amino acid with similar properties. This amino acid position is not well conserved in available vertebrate species. In addition, the in silico prediction for this alteration is inconclusive. Based on the available evidence, the clinical significance of this variant remains unclear.

Women's Health and Genetics/Laboratory Corporation of America, LabCorp
Classification: Uncertain significance. Last evaluated: 2022-05-19. Review status: criteria provided, single submitter. Criteria: LabCorp Variant Classification Summary - May 2015. Collection method: clinical testing. Allele origin: germline.

Fulgent Genetics
Classification: Uncertain significance for Hereditary pancreatitis; Bronchiectasis with or without elevated sweat chloride 1; Cystic fibrosis; Congenital bilateral aplasia of vas deferens from CFTR mutation. Last evaluated: 2022-03-22. Review status: criteria provided, single submitter. Criteria: ACMG Guidelines, 2015. Collection method: clinical testing. Allele origin: unknown.

Labcorp Genetics (formerly Invitae), Labcorp
Classification: Uncertain significance for Cystic fibrosis. Last evaluated: 2022-03-08. Review status: criteria provided, single submitter. Criteria: Invitae Variant Classification Sherloc (09022015). Collection method: clinical testing. Allele origin: germline.
Comment: This sequence change replaces alanine, which is neutral and non-polar, with valine, which is neutral and non-polar, at codon 876 of the CFTR protein (p.Ala876Val). This variant is present in population databases (no rsID available, gnomAD 0.006%). This variant has not been reported in the literature in individuals affected with CFTR-related conditions. ClinVar contains an entry for this variant (Variation ID: 568739). Algorithms developed to predict the effect of missense changes on protein structure and function output the following: SIFT: "Tolerated"; PolyPhen-2: "Benign"; Align-GVGD: "Class C0". The valine amino acid residue is found in multiple mammalian species, which suggests that this missense change does not adversely affect protein function. In summary, the available evidence is currently insufficient to determine the role of this variant in disease. Therefore, it has been classified as a Variant of Uncertain Significance.

Natera, Inc.
Classification: Uncertain significance for CFTR-related disorders. Last evaluated: 2018-10-19. Review status: no assertion criteria provided. Collection method: clinical testing. Allele origin: germline. Not counted in ClinVar's aggregate classification.